The following is an entry in ClinVar:

ClinVar aggregate classification (germline): Uncertain significance (1 of 4 stars; one submission).

Conditions:
Tooth agenesis, selective, 4 (STHAG4). Also called: LATERAL INCISORS, ABSENCE OF; LATERAL INCISORS, PEGGED OR MISSING; SUCCEDANEOUS TEETH, AGENESIS OF; TOOTH AGENESIS, SELECTIVE, 4, WITH OR WITHOUT ECTODERMAL DYSPLASIA. Identifiers: Orphanet 99798, MedGen C1835492, MONDO:0007881, OMIM 150400. Disease mechanism: loss of function.
Odonto-onycho-dermal dysplasia. Identifiers: Orphanet 2721, MedGen C0796093, MONDO:0009773, OMIM 257980.

gnomAD v4.1: 3 of 1,585,720 alleles (0.00019%); highest among the groups gnomAD compares: Non-Finnish European, 0.00026%; no homozygotes.

Submission:

Labcorp Genetics (formerly Invitae), Labcorp
Classification: Uncertain significance for Tooth agenesis, selective, 4; Odonto-onycho-dermal dysplasia. Last evaluated: 2024-10-18. Review status: criteria provided, single submitter. Criteria: Invitae Variant Classification Sherloc (09022015). Collection method: clinical testing. Allele origin: germline.
Comment: This sequence change replaces threonine, which is neutral and polar, with methionine, which is neutral and non-polar, at codon 280 of the WNT10A protein (p.Thr280Met). The frequency data for this variant in the population databases is considered unreliable, as metrics indicate poor data quality at this position in the gnomAD database. This variant has not been reported in the literature in individuals affected with WNT10A-related conditions. Invitae Evidence Modeling of protein sequence and biophysical properties (such as structural, functional, and spatial information, amino acid conservation, physicochemical variation, residue mobility, and thermodynamic stability) indicates that this missense variant is not expected to disrupt WNT10A protein function with a negative predictive value of 80%. In summary, the available evidence is currently insufficient to determine the role of this variant in disease. Therefore, it has been classified as a Variant of Uncertain Significance.

NM_025216.3(WNT10A):c.839C>T (p.Thr280Met)

Gene: WNT10A (Wnt family member 10A; plus strand). Cytogenetic location: 2q35.
Variant type: single nucleotide variant.
Coding change: c.839C>T on transcript NM_025216.3 (MANE Select); coding-DNA position 839, C replaced by T.
Protein change: p.Thr280Met; replaces threonine 280 with methionine.
Molecular consequence: missense variant.
Genome position (GRCh38, 1-based): chr2:218,892,856, C>T. VCF-style: chr2-218892856-C-T. GRCh37 (hg19) VCF-style: chr2-219757578-C-T.
Other names: short protein forms T280M.
Identifiers: ClinVar variation 3763798 (VCV003763798.2).